The following is an entry in ClinVar:

ClinVar aggregate classification (germline): Uncertain significance (1 of 4 stars; one submission).

Conditions:
Inborn genetic diseases. Identifiers: MedGen C0950123, MeSH D030342.

Submission:

Ambry Genetics
Classification: Uncertain significance for Inborn genetic diseases. Last evaluated: 2021-11-23. Review status: criteria provided, single submitter. Criteria: Ambry Variant Classification Scheme 2023. Collection method: clinical testing. Allele origin: germline.
Comment: The c.1229G>A (p.R410Q) alteration is located in exon 8 (coding exon 7) of the SATB1 gene. This alteration results from a G to A substitution at nucleotide position 1229, causing the arginine (R) at amino acid position 410 to be replaced by a glutamine (Q). This variant was not reported in population-based cohorts in the Genome Aggregation Database (gnomAD). This amino acid position is highly conserved in available vertebrate species. The in silico prediction for this alteration is inconclusive. Based on insufficient or conflicting evidence, the clinical significance of this alteration remains unclear.

NM_002971.6(SATB1):c.1229G>A (p.Arg410Gln)

Gene: SATB1 (SATB homeobox 1; minus strand). Cytogenetic location: 3p24.3.
Variant type: single nucleotide variant.
Coding change: c.1229G>A on transcript NM_002971.6 (MANE Select); coding-DNA position 1229, G replaced by A.
Protein change: p.Arg410Gln; replaces arginine 410 with glutamine.
Molecular consequence: missense variant.
Genome position (GRCh38, 1-based): chr3:18,386,589, C>T on the plus strand (G>A on the coding strand, the complement: SATB1 is on the minus strand). VCF-style: chr3-18386589-C-T. GRCh37 (hg19) VCF-style: chr3-18428081-C-T.
Other names: c.1229G>A, p.Arg410Gln (NM_001131010.4, NM_001195470.3, NM_001322871.2 and 4 more transcripts); c.1013G>A, p.Arg338Gln (NM_001322876.2); short protein forms R338Q, R410Q.
Identifiers: ClinVar variation 3157926 (VCV003157926.1), dbSNP rs2470593293, ClinGen allele CA351855319.